The following is an entry in ClinVar:

NM_015978.3(TNNI3K):c.2179G>T (p.Glu727Ter)

Genes: FPGT-TNNI3K (FPGT-TNNI3K readthrough; plus strand), LRRC53 (leucine rich repeat containing 53; minus strand), TNNI3K (TNNI3 interacting kinase; plus strand). Cytogenetic location: 1p31.1.
Variant type: single nucleotide variant.
Coding change: c.2179G>T on transcript NM_015978.3 (MANE Select); coding-DNA position 2179, G replaced by T.
Protein change: p.Glu727Ter; replaces glutamic acid 727 with a stop codon.
Molecular consequence: nonsense. On other transcripts: intron variant (2).
Genome position (GRCh38, 1-based): chr1:74,489,246, G>T. VCF-style: chr1-74489246-G-T. GRCh37 (hg19) VCF-style: chr1-74954930-G-T.
Other names: c.2482G>T, p.Glu828Ter (NM_001112808.3); c.-8-8278C>A (NM_001364666.2); c.-26-5871C>A (NM_001382280.1); short protein forms E727*, E828*.
Identifiers: ClinVar variation 3728662 (VCV003728662.2).

ClinVar aggregate classification (germline): Uncertain significance (1 of 4 stars; one submission).

gnomAD v4.1: 3 of 1,610,886 alleles (0.00019%); highest among the groups gnomAD compares: Non-Finnish European, 0.00017%; no homozygotes.

Submission:

Labcorp Genetics (formerly Invitae), Labcorp
Classification: Uncertain significance. Last evaluated: 2025-01-07. Review status: criteria provided, single submitter. Criteria: Invitae Variant Classification Sherloc (09022015). Collection method: clinical testing. Allele origin: germline.
Comment: This sequence change creates a premature translational stop signal (p.Glu727*) in the TNNI3K gene. It is expected to result in an absent or disrupted protein product. However, the current clinical and genetic evidence is not sufficient to establish whether loss-of-function variants in TNNI3K cause disease. This variant is not present in population databases (gnomAD no frequency). This variant has not been reported in the literature in individuals affected with TNNI3K-related conditions. Algorithms developed to predict the effect of sequence changes on RNA splicing suggest that this variant may disrupt the consensus splice site. In summary, the available evidence is currently insufficient to determine the role of this variant in disease. Therefore, it has been classified as a Variant of Uncertain Significance.